The following is an entry in ClinVar:

NM_005120.3(MED12):c.3843C>T (p.Tyr1281=)

Gene: MED12 (mediator complex subunit 12; plus strand). Cytogenetic location: Xq13.1.
Variant type: single nucleotide variant.
Coding change: c.3843C>T on transcript NM_005120.3 (MANE Select); coding-DNA position 3843, C replaced by T.
Protein change: p.Tyr1281=; no amino-acid change (tyrosine 1281 retained).
Molecular consequence: synonymous variant.
Genome position (GRCh38, 1-based): chrX:71,129,831, C>T. VCF-style: chrX-71129831-C-T. GRCh37 (hg19) VCF-style: chrX-70349681-C-T.
Identifiers: ClinVar variation 378129 (VCV000378129.16), dbSNP rs369268877, ClinGen allele CA10444554.

ClinVar aggregate classification (germline): Likely benign. Review status: criteria provided, multiple submitters, no conflicts (2 of 4 stars). 5 submissions from 5 submitters: Likely benign (5). Last evaluated 2025-10-21.

Conditions:
FG syndrome (FGS). Identifiers: MedGen C0220769, MONDO:0002010.
Familial thoracic aortic aneurysm and aortic dissection (TAAD). Also called: Thoracic aortic aneurysms and dissections. Identifiers: Orphanet 91387, MedGen C4707243, MONDO:0019625.

Allele frequency attached by ClinVar (database versions not stated): gnomAD exomes 0.00001 and 0.00004; ExAC 0.00008; gnomAD 0.00010; TOPMed 0.00017; 1000 Genomes Project 30x 0.00042; 1000 Genomes Project 0.00053.
gnomAD v4.1: 32 of 1,210,353 alleles (0.0026%); highest among the groups gnomAD compares: African/African-American, 0.021%; no homozygotes.

Submissions (5):

Labcorp Genetics (formerly Invitae), Labcorp
Classification: Likely benign for FG syndrome. Last evaluated: 2025-10-21. Review status: criteria provided, single submitter. Criteria: Invitae Variant Classification Sherloc (09022015). Collection method: clinical testing. Allele origin: germline.

Blueprint Genetics
Classification: Likely benign. Last evaluated: 2022-12-21. Review status: criteria provided, single submitter. Criteria: ACMG Guidelines, 2015. Collection method: clinical testing. Allele origin: germline.

Ambry Genetics
Classification: Likely benign for Familial thoracic aortic aneurysm and aortic dissection. Last evaluated: 2022-03-30. Review status: criteria provided, single submitter. Criteria: Ambry Variant Classification Scheme 2023. Collection method: clinical testing. Allele origin: germline.

Genetic Services Laboratory, University of Chicago
Classification: Likely benign. Last evaluated: 2017-09-08. Review status: criteria provided, single submitter. Criteria: ACMG Guidelines, 2015. Collection method: clinical testing. Allele origin: germline. Affected: no.

GeneDx
Classification: Likely benign. Last evaluated: 2016-04-14. Review status: criteria provided, single submitter. Criteria: GeneDx Variant Classification (06012015). Collection method: clinical testing. Allele origin: germline. Affected: yes.
Comment: This variant is considered likely benign or benign based on one or more of the following criteria: it is a conservative change, it occurs at a poorly conserved position in the protein, it is predicted to be benign by multiple in silico algorithms, and/or has population frequency not consistent with disease.